The following is an entry in ClinVar:

NM_015267.4(CUX2):c.1606G>A (p.Ala536Thr)

Gene: CUX2 (cut like homeobox 2; plus strand). Cytogenetic location: 12q24.12.
Variant type: single nucleotide variant.
Coding change: c.1606G>A on transcript NM_015267.4 (MANE Select); coding-DNA position 1606, G replaced by A.
Protein change: p.Ala536Thr; replaces alanine 536 with threonine.
Molecular consequence: missense variant.
Genome position (GRCh38, 1-based): chr12:111,310,388, G>A. VCF-style: chr12-111310388-G-A. GRCh37 (hg19) VCF-style: chr12-111748192-G-A.
Other names: c.1420G>A, p.Ala474Thr (NM_001370598.1); short protein forms A474T, A536T.
Identifiers: ClinVar variation 2351108 (VCV002351108.26), dbSNP rs200889290, ClinGen allele CA6788687.

ClinVar aggregate classification (germline): Likely benign. Review status: criteria provided, multiple submitters, no conflicts (2 of 4 stars). 2 submissions from 2 submitters: Likely benign (2). Last evaluated 2025-01-01.

Conditions:
Inborn genetic diseases. Identifiers: MedGen C0950123, MeSH D030342.

Allele frequency attached by ClinVar (database versions not stated): gnomAD 0.00018; 1000 Genomes Project 0.00020; ExAC 0.00026; 1000 Genomes Project 30x 0.00031; ESP Exome Variant Server 0.00036.
gnomAD v4.1: 371 of 1,605,288 alleles (0.023%); highest among the groups gnomAD compares: Non-Finnish European, 0.029%; 1 homozygote.

Submissions (2):

CeGaT Center for Human Genetics Tuebingen
Classification: Likely benign. Last evaluated: 2025-01-01. Review status: criteria provided, single submitter. Criteria: CeGaT Center For Human Genetics Tuebingen Variant Classification Criteria Version 2. Collection method: clinical testing. Allele origin: germline. Affected: yes. Observed: 2 variant alleles.
Comment: CUX2: BS1

Ambry Genetics
Classification: Likely benign for Inborn genetic diseases. Last evaluated: 2022-11-18. Review status: criteria provided, single submitter. Criteria: Ambry Variant Classification Scheme 2023. Collection method: clinical testing. Allele origin: germline.